The following is an entry in ClinVar:

NM_003060.4(SLC22A5):c.1434C>T (p.Pro478=)

Gene: SLC22A5 (solute carrier family 22 member 5; plus strand). Cytogenetic location: 5q31.1.
Variant type: single nucleotide variant.
Coding change: c.1434C>T on transcript NM_003060.4 (MANE Select); coding-DNA position 1434, C replaced by T.
Protein change: p.Pro478=; no amino-acid change (proline 478 retained).
Molecular consequence: synonymous variant.
Genome position (GRCh38, 1-based): chr5:132,392,599, C>T. VCF-style: chr5-132392599-C-T. GRCh37 (hg19) VCF-style: chr5-131728291-C-T.
Other names: p.Pro478=; c.1506C>T, p.Pro502= (NM_001308122.2).
Identifiers: ClinVar variation 384574 (VCV000384574.41), dbSNP rs140495935, ClinGen allele CA3404152.

ClinVar aggregate classification (germline): Benign/Likely benign. Review status: criteria provided, multiple submitters, no conflicts (2 of 4 stars). 7 submissions from 7 submitters: Benign (4); Likely benign (3). Last evaluated 2026-09-01.

Conditions:
Renal carnitine transport defect (CDSP). Also called: Primary carnitine deficiency; Carnitine Deficiency, Systemic; Systemic primary carnitine deficiency disease; CARNITINE DEFICIENCY, SYSTEMIC, DUE TO DEFECT IN RENAL REABSORPTION OF CARNITINE; CARNITINE TRANSPORTER, PLASMA-MEMBRANE, DEFICIENCY OF; CARNITINE UPTAKE DEFECT. Identifiers: Orphanet 158, MedGen C0342788, MONDO:0008919, OMIM 212140.

Allele frequency attached by ClinVar (database versions not stated): gnomAD exomes 0.00017 and 0.00050; ExAC 0.00068; 1000 Genomes Project 0.00140; 1000 Genomes Project 30x 0.00141; gnomAD 0.00185 and 0.00202; TOPMed 0.00231; ESP Exome Variant Server 0.00300.
gnomAD v4.1: 547 of 1,614,096 alleles (0.034%); highest among the groups gnomAD compares: African/African-American, 0.64%; 3 homozygotes.

Submissions (7):

CeGaT Center for Human Genetics Tuebingen
Classification: Likely benign. Last evaluated: 2026-09-01. Review status: criteria provided, single submitter. Criteria: CeGaT Center For Human Genetics Tuebingen Variant Classification Criteria Version 2. Collection method: clinical testing. Allele origin: germline. Affected: yes. Observed: 2 variant alleles.
Comment: SLC22A5: BP4, BP7

Labcorp Genetics (formerly Invitae), Labcorp
Classification: Benign for Renal carnitine transport defect. Last evaluated: 2026-02-03. Review status: criteria provided, single submitter. Criteria: Invitae Variant Classification Sherloc (09022015). Collection method: clinical testing. Allele origin: germline.

Blueprint Genetics
Classification: Likely benign. Last evaluated: 2024-11-26. Review status: criteria provided, single submitter. Criteria: ACMG Guidelines, 2015. Collection method: clinical testing. Allele origin: germline.

Mayo Clinic Laboratories, Mayo Clinic
Classification: Benign. Last evaluated: 2023-06-08. Review status: criteria provided, single submitter. Criteria: ACMG Guidelines, 2015. Collection method: clinical testing. Allele origin: germline. Observed: 5 variant alleles.
Comment: BS1, BS2, BP4, BP7

Genome-Nilou Lab
Classification: Benign for Renal carnitine transport defect. Last evaluated: 2021-07-15. Review status: criteria provided, single submitter. Criteria: ACMG Guidelines, 2015. Collection method: clinical testing. Allele origin: germline. Affected: no.

GeneDx
Classification: Likely benign. Last evaluated: 2021-04-27. Review status: criteria provided, single submitter. Criteria: GeneDx Variant Classification Process June 2021. Collection method: clinical testing. Allele origin: germline. Affected: yes.

Women's Health and Genetics/Laboratory Corporation of America, LabCorp
Classification: Benign. Last evaluated: 2019-03-11. Review status: criteria provided, single submitter. Criteria: LabCorp Variant Classification Summary - May 2015. Collection method: clinical testing. Allele origin: germline.
Comment: Variant summary: SLC22A5 c.1434C>T alters a non-conserved nucleotide resulting in a synonymous change. 5/5 computational tools predict no significant impact on normal splicing. However, these predictions have yet to be confirmed by functional studies. The variant allele was found at a frequency of 0.00064 in 277126 control chromosomes, predominantly at a frequency of 0.0067 within the African subpopulation in the gnomAD database, including 2 homozygotes. The observed variant frequency within African control individuals in the gnomAD database is approximately 1.47 fold of the estimated maximal expected allele frequency for a pathogenic variant in SLC22A5 causing Systemic Primary Carnitine Deficiency phenotype (0.0046), strongly suggesting that the variant is a benign polymorphism found primarily in populations of African origin. To our knowledge, no occurrence of c.1434C>T in individuals affected with Systemic Primary Carnitine Deficiency and no experimental evidence demonstrating its impact on protein function have been reported. Two ClinVar submissions from clinical diagnostic laboratories (evaluation after 2014) cites the variant once as likely benign and once as benign. Based on the evidence outlined above, the variant was classified as benign.